The following is an entry in ClinVar:

ClinVar aggregate classification (germline): Uncertain significance. Review status: criteria provided, multiple submitters, no conflicts (2 of 4 stars). 2 submissions from 2 submitters: Uncertain significance (2). Last evaluated 2024-06-09.

Conditions:
Gorlin syndrome. Also called: Nevoid Basal Cell Carcinoma Syndrome; Basal cell nevus syndrome. Identifiers: Orphanet 377, MedGen C0004779, MONDO:0007187.
Hereditary cancer-predisposing syndrome. Also called: Neoplastic Syndromes, Hereditary; Tumor predisposition; Hereditary neoplastic syndrome; Hereditary Cancer Syndrome. Identifiers: Orphanet 140162, MedGen C0027672, MeSH D009386, MONDO:0015356.

Allele frequency attached by ClinVar (database versions not stated): gnomAD exomes below 0.00001.
gnomAD v4.1: 1 of 1,614,100 alleles (0.000062%); highest among the groups gnomAD compares: Non-Finnish European, 0.000085%; no homozygotes.

Submissions (2):

Ambry Genetics
Classification: Uncertain significance for Hereditary cancer-predisposing syndrome. Last evaluated: 2024-06-09. Review status: criteria provided, single submitter. Criteria: Ambry Variant Classification Scheme 2023. Collection method: clinical testing. Allele origin: germline.
Comment: The p.I991T variant (also known as c.2972T>C), located in coding exon 18 of the PTCH1 gene, results from a T to C substitution at nucleotide position 2972. The isoleucine at codon 991 is replaced by threonine, an amino acid with similar properties. This amino acid position is conserved. In addition, this alteration is predicted to be deleterious by in silico analysis. Based on the available evidence, the clinical significance of this variant remains unclear.

Labcorp Genetics (formerly Invitae), Labcorp
Classification: Uncertain significance for Gorlin syndrome. Last evaluated: 2022-12-30. Review status: criteria provided, single submitter. Criteria: Invitae Variant Classification Sherloc (09022015). Collection method: clinical testing. Allele origin: germline.
Comment: This sequence change replaces isoleucine, which is neutral and non-polar, with threonine, which is neutral and polar, at codon 991 of the PTCH1 protein (p.Ile991Thr). This variant is not present in population databases (gnomAD no frequency). This variant has not been reported in the literature in individuals affected with PTCH1-related conditions. Advanced modeling of protein sequence and biophysical properties (such as structural, functional, and spatial information, amino acid conservation, physicochemical variation, residue mobility, and thermodynamic stability) has been performed at Invitae for this missense variant, however the output from this modeling did not meet the statistical confidence thresholds required to predict the impact of this variant on PTCH1 protein function. In summary, the available evidence is currently insufficient to determine the role of this variant in disease. Therefore, it has been classified as a Variant of Uncertain Significance.

NM_000264.5(PTCH1):c.2972T>C (p.Ile991Thr)

Gene: PTCH1 (patched 1; minus strand). Cytogenetic location: 9q22.32.
Variant type: single nucleotide variant.
Coding change: c.2972T>C on transcript NM_000264.5 (MANE Select); coding-DNA position 2972, T replaced by C.
Protein change: p.Ile991Thr; replaces isoleucine 991 with threonine.
Molecular consequence: missense variant. On other transcripts: non-coding transcript variant (1).
Genome position (GRCh38, 1-based): chr9:95,458,209, A>G on the plus strand (T>C on the coding strand, the complement: PTCH1 is on the minus strand). VCF-style: chr9-95458209-A-G. GRCh37 (hg19) VCF-style: chr9-98220491-A-G.
Other names: c.2774T>C, p.Ile925Thr (NM_001083602.3); c.2969T>C, p.Ile990Thr (NM_001083603.3); c.2519T>C, p.Ile840Thr (NM_001083604.3, NM_001083605.3, NM_001083606.3 and 1 more transcripts); c.2816T>C, p.Ile939Thr (NM_001354918.2); short protein forms I925T, I990T, I840T, I939T, I991T.
Identifiers: ClinVar variation 2752161 (VCV002752161.4), dbSNP rs2538069044, ClinGen allele CA374112668.